The following is an entry in ClinVar:

NM_014822.4(SEC24D):c.1859C>T (p.Ser620Leu)

Gene: SEC24D (SEC24 homolog D, COPII coat complex component; minus strand). Cytogenetic location: 4q26.
Variant type: single nucleotide variant.
Coding change: c.1859C>T on transcript NM_014822.4 (MANE Select); coding-DNA position 1859, C replaced by T.
Protein change: p.Ser620Leu; replaces serine 620 with leucine.
Molecular consequence: missense variant.
Genome position (GRCh38, 1-based): chr4:118,744,124, G>A on the plus strand (C>T on the coding strand, the complement: SEC24D is on the minus strand). VCF-style: chr4-118744124-G-A. GRCh37 (hg19) VCF-style: chr4-119665279-G-A.
Other names: c.1862C>T, p.Ser621Leu (NM_001318066.2); short protein forms S620L, S621L.
Identifiers: ClinVar variation 3777545 (VCV003777545.1).

ClinVar aggregate classification (germline): Uncertain significance (1 of 4 stars; one submission).

gnomAD v4.1: 13 of 1,610,878 alleles (0.00081%); highest among the groups gnomAD compares: Non-Finnish European, 0.001%; no homozygotes.

Submission:

GeneDx
Classification: Uncertain significance. Last evaluated: 2024-10-08. Review status: criteria provided, single submitter. Criteria: GeneDx Variant Classification Process June 2021. Collection method: clinical testing. Allele origin: germline. Affected: yes.
Comment: Not observed at significant frequency in large population cohorts (gnomAD); In silico analysis supports that this missense variant has a deleterious effect on protein structure/function; Has not been previously published as pathogenic or benign to our knowledge